The following is an entry in ClinVar:

ClinVar aggregate classification (germline): Pathogenic/Likely pathogenic. Review status: criteria provided, multiple submitters, no conflicts (2 of 4 stars). 5 submissions from 5 submitters: Pathogenic (4); Likely pathogenic (1). Last evaluated 2025-12-08.

Conditions:
Melanoma, cutaneous malignant, susceptibility to, 8. Also called: MELANOMA AND RENAL CELL CARCINOMA, SUSCEPTIBILITY TO; Cutaneous malignant melanoma 8. Identifiers: Orphanet 293822, MedGen C3152204, MONDO:0013759, OMIM 614456.
Tietz syndrome (TADS). Also called: TIETZ ALBINISM-DEAFNESS SYNDROME; ALBINISM-DEAFNESS OF TIETZ; HYPOPIGMENTATION/DEAFNESS OF TIETZ. Identifiers: Orphanet 42665, MedGen C0391816, MONDO:0007077, OMIM 103500.
Waardenburg syndrome type 2A (WS2A). Also called: WAARDENBURG SYNDROME WITHOUT DYSTOPIA CANTHORUM. Identifiers: Orphanet 3440, MedGen C1860339, MONDO:0008671, OMIM 193510.
Monogenic hearing loss.

Submissions (5):

Genetics Laboratory, Great Ormond Street Hospital NHS Foundation Trust, North Thames Genomic Laboratory Hub
Classification: Pathogenic for Monogenic hearing loss. Last evaluated: 2025-12-08. Review status: criteria provided, single submitter. Criteria: ACGS Best Practice Guidelines for Variant Classification in Rare Disease 2024 v1.2. Collection method: clinical testing. Allele origin: germline. Affected: yes.
Comment: PS4_moderate, PM2_moderate, PVS1_very-strong, PP1_strong

Labcorp Genetics (formerly Invitae), Labcorp
Classification: Pathogenic for Melanoma, cutaneous malignant, susceptibility to, 8; Waardenburg syndrome type 2A; Tietz syndrome. Last evaluated: 2025-03-11. Review status: criteria provided, single submitter. Criteria: Invitae Variant Classification Sherloc (09022015). Collection method: clinical testing. Allele origin: germline.
Comment: This sequence change creates a premature translational stop signal (p.Arg110*) in the MITF gene. It is expected to result in an absent or disrupted protein product. Loss-of-function variants in MITF are known to be pathogenic (PMID: 8659547, 20127975). This variant is not present in population databases (gnomAD no frequency). This premature translational stop signal has been observed in individual(s) with autosomal dominant Waardenburg syndrome (PMID: 20478267, 23512835). ClinVar contains an entry for this variant (Variation ID: 488040). Algorithms developed to predict the effect of sequence changes on RNA splicing suggest that this variant may disrupt the consensus splice site. For these reasons, this variant has been classified as Pathogenic.

GeneDx
Classification: Pathogenic. Last evaluated: 2022-01-24. Review status: criteria provided, single submitter. Criteria: GeneDx Variant Classification Process June 2021. Collection method: clinical testing. Allele origin: germline. Affected: yes.
Comment: Nonsense variant predicted to result in protein truncation or nonsense mediated decay in a gene for which loss-of-function is a known mechanism of disease; Not observed at significant frequency in large population cohorts (gnomAD); This variant is associated with the following publications: (PMID: 29407415, 27759048, 20478267, 27562378, 29798271, 33045145, 26417640, 30936914, 34323021, 27535533, 23512835)

Laboratory of Human Genetics, Universidade de São Paulo
Classification: Likely pathogenic for Waardenburg syndrome type 2A. Last evaluated: 2017-03-01. Review status: criteria provided, single submitter. Criteria: ACMG Guidelines, 2015. Collection method: research. Allele origin: inherited. Inheritance: Autosomal dominant inheritance. Affected: yes.

Center for Human Genetics, Inc
Classification: Pathogenic for Waardenburg syndrome type 2A. Last evaluated: 2016-11-01. Review status: criteria provided, single submitter. Criteria: ACMG Guidelines, 2015. Collection method: clinical testing. Allele origin: germline. Affected: yes.

Literature cited by the submitters: PubMed 8659547 (cited by Labcorp Genetics (formerly Invitae), Labcorp); PubMed 20127975 (cited by Labcorp Genetics (formerly Invitae), Labcorp); PubMed 20478267 (cited by Labcorp Genetics (formerly Invitae), Labcorp); PubMed 23512835 (cited by Labcorp Genetics (formerly Invitae), Labcorp); PubMed 29407415 (cited by Laboratory of Human Genetics, Universidade de São Paulo).

NM_001354604.2(MITF):c.649C>T (p.Arg217Ter)

Gene: MITF (melanocyte inducing transcription factor; plus strand). Cytogenetic location: 3p13.
Variant type: single nucleotide variant.
Coding change: c.649C>T on transcript NM_001354604.2 (MANE Select); coding-DNA position 649, C replaced by T.
Protein change: p.Arg217Ter; replaces arginine 217 with a stop codon.
Molecular consequence: nonsense.
Genome position (GRCh38, 1-based): chr3:69,939,164, C>T. VCF-style: chr3-69939164-C-T. GRCh37 (hg19) VCF-style: chr3-69988315-C-T.
Other names: c.328C>T, p.Arg110Ter (NM_000248.4, NM_198158.3); c.493C>T, p.Arg165Ter (NM_001184967.2, NM_001354608.2); c.646C>T, p.Arg216Ter (NM_001354605.2, NM_001354606.2, NM_006722.3); c.598C>T, p.Arg200Ter (NM_001354607.2); c.649C>T, p.Arg217Ter (NM_198159.3); c.601C>T, p.Arg201Ter (NM_198177.3); c.160C>T, p.Arg54Ter (NM_198178.3); short protein forms R110*, R217*, R165*, R201*, R200*, R54*, R216*.
Identifiers: ClinVar variation 488040 (VCV000488040.7), dbSNP rs1553702006, ClinGen allele CA353560964.